The following is an entry in ClinVar:

ClinVar aggregate classification (germline): Pathogenic (1 of 4 stars; one submission).

Conditions:
Brain-lung-thyroid syndrome. Also called: CHOREOATHETOSIS AND CONGENITAL HYPOTHYROIDISM WITH PULMONARY DYSFUNCTION; Choreoathetosis, Congenital Hypothyroidism, and Neonatal Respiratory Distress Syndrome (Brain-Lung-Thyroid Syndrome); Choreoathetosis, congenital hypothyroidism, and neonatal respiratory distress. Identifiers: Orphanet 209905, MedGen C1970269, MONDO:0012593, OMIM 610978.

Submission:

Johns Hopkins Genomics, Johns Hopkins University
Classification: Pathogenic for Brain-lung-thyroid syndrome. Last evaluated: 2020-01-10. Review status: criteria provided, single submitter. Criteria: ACMG Guidelines, 2015. Collection method: clinical testing. Allele origin: germline.
Comment: This frameshift variant is predicted to lead to a new stop codon that is downstream of the native stop codon. The resulting transcript is not expected to undergo nonsense-mediated decay and likely results in an extended protein product (335 novel C-terminal amino acids replacing the last 308 amino acids of NKX2-1). This novel protein is predicted to lack the NKX2-1 homeodomain, a highly conserved DNA binding motif that is essential for the function of NKX2-1. This variant is absent from a large population dataset. We consider this variant to be pathogenic.

Literature cited by the submitters: PubMed 17220277.

NM_001079668.3(NKX2-1):c.278_306del (p.Ala93fs)

Genes: NKX2-1 (NK2 homeobox 1; minus strand), SFTA3 (surfactant associated 3; minus strand). Cytogenetic location: 14q13.3.
Variant type: Deletion.
Coding change: c.278_306del on transcript NM_001079668.3 (MANE Select); coding-DNA positions 278 to 306, 29 bases deleted (CCGTCACCGCCGCCTACCACATGACGGCG).
Protein change: p.Ala93fs; shifts the reading frame from alanine 93.
Molecular consequence: frameshift variant.
Genome position (GRCh38, 1-based): chr14:36,519,142-36,519,170, CGCCGTCATGTGGTAGGCGGCGGTGACGG deleted on the plus strand (CCGTCACCGCCGCCTACCACATGACGGCG on the coding strand, the reverse complement: NKX2-1 is on the minus strand); deleting any 29 consecutive bases within chr14:36,519,142-36,519,176 gives the same sequence; the c. name uses the placement nearest the transcript's 3' end. VCF-style (leftmost placement, unchanged base first): chr14-36519141-CCGCCGTCATGTGGTAGGCGGCGGTGACGG-C. GRCh37 (hg19) VCF-style: chr14-36988346-CCGCCGTCATGTGGTAGGCGGCGGTGACGG-C.
Other names: c.188_216del, p.Ala63fs (NM_003317.4); short protein forms A63fs, A93fs.
Identifiers: ClinVar variation 932917 (VCV000932917.1), dbSNP rs1881214272, ClinGen allele CA1139663455.